The following is an entry in ClinVar:

ClinVar aggregate classification (germline): Likely pathogenic (1 of 4 stars; one submission).

Conditions:
Glycine encephalopathy 1 (GCE1). Identifiers: MedGen CN376801, MONDO:0958179, OMIM 605899.

gnomAD v4.1: 1 of 1,614,216 alleles (0.000062%); highest among the groups gnomAD compares: Non-Finnish European, 0.000085%; no homozygotes.

Submission:

Department of Clinical Reseach, Mie Cyuo Medical Center
Classification: Likely pathogenic for Glycine encephalopathy 1. Last evaluated: 2026-01-08. Review status: criteria provided, single submitter. Criteria: ACMG Guidelines, 2015. Collection method: research. Allele origin: germline. Inheritance: Autosomal recessive inheritance. Affected: yes. Observed: 1 variant allele, 1 compound heterozygote.
Comment: The GLDC c.898T>C [p.(Cys300Arg)] variant was classified as likely pathogenic according to the ACMG/AMP guidelines and ClinGen Sequence Variant Interpretation Working Group recommendations, based on PM3, PM2_Supporting, PP3_Moderate, and PP4. It was absent from the Japanese Multi Omics Reference Panel and was observed in only one allele in the gnomAD exomes v4.1.1 dataset, indicating that it is extremely rare in the general population (PM2_Supporting). Computational evidence supported a deleterious effect, including a REVEL score of 0.92, with concordant predictions from CADD and AlphaMissense (PP3_Moderate). The patient had a highly specific biochemical and clinical phenotype of neonatal nonketotic hyperglycinemia, including markedly elevated glycine concentrations and an increased cerebrospinal fluid-to-plasma glycine ratio (PP4). Although functional studies were not performed, the combined genetic, population, computational, and phenotypic evidence supports a likely pathogenic classification.

NM_000170.3(GLDC):c.898T>C (p.Cys300Arg)

Gene: GLDC (glycine decarboxylase; minus strand). Cytogenetic location: 9p24.1.
Variant type: single nucleotide variant.
Coding change: c.898T>C on transcript NM_000170.3 (MANE Select); coding-DNA position 898, T replaced by C.
Protein change: p.Cys300Arg; replaces cysteine 300 with arginine.
Molecular consequence: missense variant.
Genome position (GRCh38, 1-based): chr9:6,604,748, A>G on the plus strand (T>C on the coding strand, the complement: GLDC is on the minus strand). VCF-style: chr9-6604748-A-G. GRCh37 (hg19) VCF-style: chr9-6604748-A-G.
Other names: short protein forms C300R.
Identifiers: ClinVar variation 4880281 (VCV004880281.1).
Genomic context (GRCh38, chr9:6,604,748, plus strand): 5'-ATCTCTGGGAGCTGCCCAGGGCGATGTCTACCCCAAATTCTCCAGGTGGCCTCAAGATGC[A>G]CAAAGCTAAAAGGTCAGTAGCACAGCAGGCCAGGCTCTAGAAAGGAAGTGAGAGAAAAGG-3'
Protein context (NP_000161.2, residues 290-310): ACCATDLLAL[Cys300Arg]ILRPPGEFGV